The following is an entry in ClinVar:

NM_002691.4(POLD1):c.1621G>C (p.Val541Leu)

Gene: POLD1 (DNA polymerase delta 1, catalytic subunit; plus strand). Cytogenetic location: 19q13.33.
Variant type: single nucleotide variant.
Coding change: c.1621G>C on transcript NM_002691.4 (MANE Select); coding-DNA position 1621, G replaced by C.
Protein change: p.Val541Leu; replaces valine 541 with leucine.
Molecular consequence: missense variant. On other transcripts: non-coding transcript variant (1).
Genome position (GRCh38, 1-based): chr19:50,407,109, G>C. VCF-style: chr19-50407109-G-C. GRCh37 (hg19) VCF-style: chr19-50910366-G-C.
Other names: c.1621G>C, p.Val541Leu (NM_001256849.1, NM_001308632.1); short protein forms V541L.
Identifiers: ClinVar variation 1024787 (VCV001024787.13), dbSNP rs769479614, ClinGen allele CA9596190.

ClinVar aggregate classification (germline): Uncertain significance. Review status: criteria provided, multiple submitters, no conflicts (2 of 4 stars). 3 submissions from 3 submitters: Uncertain significance (3). Last evaluated 2025-08-07.

Conditions:
Hereditary cancer-predisposing syndrome. Also called: Tumor predisposition; Hereditary Cancer Syndrome; Hereditary neoplastic syndrome; Neoplastic Syndromes, Hereditary. Identifiers: Orphanet 140162, MedGen C0027672, MeSH D009386, MONDO:0015356.
POLD1-related polyposis and colorectal cancer syndrome (CRCS10). Also called: Colorectal cancer 10; COLORECTAL CANCER, SUSCEPTIBILITY TO, ON CHROMOSOME 19q; Colorectal cancer, susceptibility to, 10. Identifiers: Orphanet 220460, MedGen C2675481, MONDO:0012953, OMIM 612591.

Allele frequency attached by ClinVar (database versions not stated): ExAC 0.00001.
gnomAD v4.1: 3 of 1,613,554 alleles (0.00019%); highest among the groups gnomAD compares: Non-Finnish European, 0.00025%; no homozygotes.

Submissions (3):

Labcorp Genetics (formerly Invitae), Labcorp
Classification: Uncertain significance for POLD1-related polyposis and colorectal cancer syndrome. Last evaluated: 2025-08-07. Review status: criteria provided, single submitter. Criteria: Invitae Variant Classification Sherloc (09022015). Collection method: clinical testing. Allele origin: germline.
Comment: This sequence change replaces valine, which is neutral and non-polar, with leucine, which is neutral and non-polar, at codon 541 of the POLD1 protein (p.Val541Leu). This variant is present in population databases (rs769479614, gnomAD 0.0009%). This variant has not been reported in the literature in individuals affected with POLD1-related conditions. ClinVar contains an entry for this variant (Variation ID: 1024787). Invitae Evidence Modeling of protein sequence and biophysical properties (such as structural, functional, and spatial information, amino acid conservation, physicochemical variation, residue mobility, and thermodynamic stability) indicates that this missense variant is expected to disrupt POLD1 protein function with a positive predictive value of 80%. In summary, the available evidence is currently insufficient to determine the role of this variant in disease. Therefore, it has been classified as a Variant of Uncertain Significance.

Ambry Genetics
Classification: Uncertain significance for Hereditary cancer-predisposing syndrome. Last evaluated: 2024-04-06. Review status: criteria provided, single submitter. Criteria: Ambry Variant Classification Scheme 2023. Collection method: clinical testing. Allele origin: germline.
Comment: The p.V541L variant (also known as c.1621G>C), located in coding exon 12 of the POLD1 gene, results from a G to C substitution at nucleotide position 1621. The valine at codon 541 is replaced by leucine, an amino acid with highly similar properties. This amino acid position is conserved. In addition, the in silico prediction for this alteration is inconclusive. Since supporting evidence is limited at this time, the clinical significance of this alteration remains unclear.

Baylor Genetics
Classification: Uncertain significance for POLD1-related polyposis and colorectal cancer syndrome. Last evaluated: 2024-03-19. Review status: criteria provided, single submitter. Criteria: ACMG Guidelines, 2015. Collection method: clinical testing. Allele origin: unknown.